The following is an entry in ClinVar:

NM_000540.3(RYR1):c.10526T>C (p.Leu3509Pro)

Gene: RYR1 (ryanodine receptor 1; plus strand). Cytogenetic location: 19q13.2.
Variant type: single nucleotide variant.
Coding change: c.10526T>C on transcript NM_000540.3 (MANE Select); coding-DNA position 10526, T replaced by C.
Protein change: p.Leu3509Pro; replaces leucine 3509 with proline.
Molecular consequence: missense variant.
Genome position (GRCh38, 1-based): chr19:38,525,402, T>C. VCF-style: chr19-38525402-T-C. GRCh37 (hg19) VCF-style: chr19-39016042-T-C.
Other names: c.10511T>C, p.Leu3504Pro (NM_001042723.2); short protein forms L3509P, L3504P.
Identifiers: ClinVar variation 2052925 (VCV002052925.7), dbSNP rs750516506, ClinGen allele CA053949.

ClinVar aggregate classification (germline): Uncertain significance. Review status: criteria provided, multiple submitters, no conflicts (2 of 4 stars). 2 submissions from 2 submitters: Uncertain significance (2). Last evaluated 2024-06-16.

Conditions:
RYR1-related disorder. Also called: RYR1-related condition; RYR1-related disorders. Identifiers: MedGen CN239331.

Allele frequency attached by ClinVar (database versions not stated): gnomAD exomes 0.00001; ExAC 0.00002; gnomAD 0.00002; TOPMed 0.00002.
gnomAD v4.1: 7 of 1,613,850 alleles (0.00043%); highest among the groups gnomAD compares: African/African-American, 0.008%; no homozygotes.

Submissions (2):

Labcorp Genetics (formerly Invitae), Labcorp
Classification: Uncertain significance for RYR1-related disorder. Last evaluated: 2024-06-16. Review status: criteria provided, single submitter. Criteria: Invitae Variant Classification Sherloc (09022015). Collection method: clinical testing. Allele origin: germline.
Comment: This sequence change replaces leucine, which is neutral and non-polar, with proline, which is neutral and non-polar, at codon 3509 of the RYR1 protein (p.Leu3509Pro). This variant is present in population databases (rs750516506, gnomAD 0.01%). This variant has not been reported in the literature in individuals affected with RYR1-related conditions. ClinVar contains an entry for this variant (Variation ID: 2052925). Advanced modeling of protein sequence and biophysical properties (such as structural, functional, and spatial information, amino acid conservation, physicochemical variation, residue mobility, and thermodynamic stability) performed at Invitae indicates that this missense variant is expected to disrupt RYR1 protein function with a positive predictive value of 95%. In summary, the available evidence is currently insufficient to determine the role of this variant in disease. Therefore, it has been classified as a Variant of Uncertain Significance.

Revvity Omics, Revvity
Classification: Uncertain significance. Last evaluated: 2020-09-15. Review status: criteria provided, single submitter. Criteria: ACMG Guidelines, 2015. Collection method: clinical testing. Allele origin: germline.